The following is an entry in ClinVar:

NM_032242.4(PLXNA1):c.3723G>A (p.Leu1241=)

Gene: PLXNA1 (plexin A1; plus strand). Cytogenetic location: 3q21.3.
Variant type: single nucleotide variant.
Coding change: c.3723G>A on transcript NM_032242.4 (MANE Select); coding-DNA position 3723, G replaced by A.
Protein change: p.Leu1241=; no amino-acid change (leucine 1241 retained).
Molecular consequence: synonymous variant.
Genome position (GRCh38, 1-based): chr3:127,018,356, G>A. VCF-style: chr3-127018356-G-A. GRCh37 (hg19) VCF-style: chr3-126737199-G-A.
Identifiers: ClinVar variation 4979378 (VCV004979378.1).

ClinVar aggregate classification (germline): Likely benign (1 of 4 stars; one submission).

Conditions:
PLXNA1-related disorder. Also called: PLXNA1-related condition.

Submission:

PreventionGenetics, part of Exact Sciences
Classification: Likely benign for PLXNA1-related condition. Last evaluated: 2024-11-04. Review status: criteria provided, single submitter. Criteria: ACMG Guidelines, 2015. Collection method: clinical testing. Allele origin: germline.
Comment: This variant is classified as likely benign based on ACMG/AMP sequence variant interpretation guidelines (Richards et al. 2015 PMID: 25741868, with internal and published modifications).